The following is an entry in ClinVar:

ClinVar aggregate classification (germline): Uncertain significance (1 of 4 stars; one submission).

Submission:

Labcorp Genetics (formerly Invitae), Labcorp
Classification: Uncertain significance. Last evaluated: 2024-10-13. Review status: criteria provided, single submitter. Criteria: Invitae Variant Classification Sherloc (09022015). Collection method: clinical testing. Allele origin: germline.
Comment: This sequence change replaces arginine, which is basic and polar, with proline, which is neutral and non-polar, at codon 99 of the MGP protein (p.Arg99Pro). This variant is not present in population databases (gnomAD no frequency). This variant has not been reported in the literature in individuals affected with MGP-related conditions. An algorithm developed to predict the effect of missense changes on protein structure and function (PolyPhen-2) suggests that this variant is likely to be tolerated. In summary, the available evidence is currently insufficient to determine the role of this variant in disease. Therefore, it has been classified as a Variant of Uncertain Significance.

NM_000900.5(MGP):c.296G>C (p.Arg99Pro)

Gene: MGP (matrix Gla protein; minus strand). Cytogenetic location: 12p12.3.
Variant type: single nucleotide variant.
Coding change: c.296G>C on transcript NM_000900.5 (MANE Select); coding-DNA position 296, G replaced by C.
Protein change: p.Arg99Pro; replaces arginine 99 with proline.
Molecular consequence: missense variant.
Genome position (GRCh38, 1-based): chr12:14,882,155, C>G on the plus strand (G>C on the coding strand, the complement: MGP is on the minus strand). VCF-style: chr12-14882155-C-G. GRCh37 (hg19) VCF-style: chr12-15035089-C-G.
Other names: c.371G>C, p.Arg124Pro (NM_001190839.3); short protein forms R124P, R99P.
Identifiers: ClinVar variation 3646796 (VCV003646796.2).